The following is an entry in ClinVar:

NM_014014.5(SNRNP200):c.23G>A (p.Ser8Asn)

Genes: SNRNP200 (small nuclear ribonucleoprotein U5 subunit 200; minus strand), LOC112841608 (Sharpr-MPRA regulatory region 61; plus strand). Cytogenetic location: 2q11.2.
Variant type: single nucleotide variant.
Coding change: c.23G>A on transcript NM_014014.5 (MANE Select); coding-DNA position 23, G replaced by A.
Protein change: p.Ser8Asn; replaces serine 8 with asparagine.
Molecular consequence: missense variant.
Genome position (GRCh38, 1-based): chr2:96,305,415, C>T on the plus strand (G>A on the coding strand, the complement: SNRNP200 is on the minus strand). VCF-style: chr2-96305415-C-T. GRCh37 (hg19) VCF-style: chr2-96971153-C-T.
Other names: short protein forms S8N.
Identifiers: ClinVar variation 1009453 (VCV001009453.8), dbSNP rs756702490, ClinGen allele CA1779292.
Genomic context (GRCh38, chr2:96,305,415, plus strand): 5'-CTCCTGAGCCTGGAATCCTTCCCCAAGACCAAACGCACCGCCTTGTACTCGTATTGCAGA[C>T]TACGGGCGGTTACATCCGCCATGGCCGCGGCTGCTCGGAGGCTTCAGACCACCACGCCTC-3'
Protein context (NP_054733.2, residues 1-18): MADVTAR[Ser8Asn]LQYEYKANSN

ClinVar aggregate classification (germline): Uncertain significance (1 of 4 stars; one submission).

Allele frequency attached by ClinVar (database versions not stated): gnomAD exomes 0.00001 and 0.00003; ExAC 0.00002.
gnomAD v4.1: 43 of 1,614,188 alleles (0.0027%); highest among the groups gnomAD compares: Non-Finnish European, 0.0035%; no homozygotes.

Submission:

Labcorp Genetics (formerly Invitae), Labcorp
Classification: Uncertain significance. Last evaluated: 2023-06-27. Review status: criteria provided, single submitter. Criteria: Invitae Variant Classification Sherloc (09022015). Collection method: clinical testing. Allele origin: germline.
Comment: In summary, the available evidence is currently insufficient to determine the role of this variant in disease. Therefore, it has been classified as a Variant of Uncertain Significance. Advanced modeling of protein sequence and biophysical properties (such as structural, functional, and spatial information, amino acid conservation, physicochemical variation, residue mobility, and thermodynamic stability) has been performed at Invitae for this missense variant, however the output from this modeling did not meet the statistical confidence thresholds required to predict the impact of this variant on SNRNP200 protein function. ClinVar contains an entry for this variant (Variation ID: 1009453). This variant has not been reported in the literature in individuals affected with SNRNP200-related conditions. This variant is present in population databases (rs756702490, gnomAD 0.003%). This sequence change replaces serine, which is neutral and polar, with asparagine, which is neutral and polar, at codon 8 of the SNRNP200 protein (p.Ser8Asn).